The following is an entry in ClinVar:

NM_001199138.2(NLRC4):c.2860T>A (p.Trp954Arg)

Gene: NLRC4 (NLR family CARD domain containing 4; minus strand). Cytogenetic location: 2p22.3.
Variant type: single nucleotide variant.
Coding change: c.2860T>A on transcript NM_001199138.2 (MANE Select); coding-DNA position 2860, T replaced by A.
Protein change: p.Trp954Arg; replaces tryptophan 954 with arginine.
Molecular consequence: missense variant.
Genome position (GRCh38, 1-based): chr2:32,224,688, A>T on the plus strand (T>A on the coding strand, the complement: NLRC4 is on the minus strand). VCF-style: chr2-32224688-A-T. GRCh37 (hg19) VCF-style: chr2-32449757-A-T.
Other names: c.2860T>A, p.Trp954Arg (NM_001199139.2, NM_021209.5); c.865T>A, p.Trp289Arg (NM_001302504.2); short protein forms W289R, W954R.
Identifiers: ClinVar variation 665407 (VCV000665407.8), dbSNP rs1407417889, ClinGen allele CA346519460.

ClinVar aggregate classification (germline): Uncertain significance (1 of 4 stars; one submission).

Conditions:
Periodic fever-infantile enterocolitis-autoinflammatory syndrome. Also called: Autoinflammation with infantile enterocolitis. Identifiers: Orphanet 436166, MedGen C4015067, MONDO:0014472, OMIM 616050.
Familial cold autoinflammatory syndrome 4 (FCAS4). Identifiers: Orphanet 47045, Orphanet 576349, MedGen C4015276, MONDO:0014498, OMIM 616115.

Allele frequency attached by ClinVar (database versions not stated): gnomAD 0.00001.
gnomAD v4.1: 1 of 1,613,014 alleles (0.000062%); highest among the groups gnomAD compares: African/African-American, 0.0013%; no homozygotes.

Submission:

Labcorp Genetics (formerly Invitae), Labcorp
Classification: Uncertain significance for Periodic fever-infantile enterocolitis-autoinflammatory syndrome; Familial cold autoinflammatory syndrome 4. Last evaluated: 2018-08-01. Review status: criteria provided, single submitter. Criteria: Invitae Variant Classification Sherloc (09022015). Collection method: clinical testing. Allele origin: germline.
Comment: In summary, the available evidence is currently insufficient to determine the role of this variant in disease. Therefore, it has been classified as a Variant of Uncertain Significance. Algorithms developed to predict the effect of missense changes on protein structure and function are either unavailable or do not agree on the potential impact of this missense change (SIFT: "Deleterious"; PolyPhen-2: "Probably Damaging"; Align-GVGD: "Class C0"). This variant has not been reported in the literature in individuals with NLRC4-related disease. This variant is not present in population databases (ExAC no frequency). This sequence change replaces tryptophan with arginine at codon 954 of the NLRC4 protein (p.Trp954Arg). The tryptophan residue is highly conserved and there is a moderate physicochemical difference between tryptophan and arginine.